The following is an entry in ClinVar:

NM_000291.4(PGK1):c.196C>T (p.Arg66Trp)

Gene: PGK1 (phosphoglycerate kinase 1; plus strand). Cytogenetic location: Xq21.1.
Variant type: single nucleotide variant.
Coding change: c.196C>T on transcript NM_000291.4 (MANE Select); coding-DNA position 196, C replaced by T.
Protein change: p.Arg66Trp; replaces arginine 66 with tryptophan.
Molecular consequence: missense variant.
Genome position (GRCh38, 1-based): chrX:78,113,823, C>T. VCF-style: chrX-78113823-C-T. GRCh37 (hg19) VCF-style: chrX-77369320-C-T.
Other names: short protein forms R66W.
Identifiers: ClinVar variation 2442434 (VCV002442434.1), dbSNP rs2522486721, ClinGen allele CA413719018.

ClinVar aggregate classification (germline): Uncertain significance (1 of 4 stars; one submission).

Submission:

GeneDx
Classification: Uncertain significance. Last evaluated: 2022-08-29. Review status: criteria provided, single submitter. Criteria: GeneDx Variant Classification Process June 2021. Collection method: clinical testing. Allele origin: germline. Affected: yes.
Comment: Not observed at significant frequency in large population cohorts (gnomAD); In silico analysis supports that this missense variant has a deleterious effect on protein structure/function; Has not been previously published as pathogenic or benign to our knowledge